The following is an entry in ClinVar:

NM_001382347.1(MYO5A):c.3332A>G (p.Lys1111Arg)

Gene: MYO5A (myosin VA; minus strand). Cytogenetic location: 15q21.2.
Variant type: single nucleotide variant.
Coding change: c.3332A>G on transcript NM_001382347.1 (MANE Select); coding-DNA position 3332, A replaced by G.
Protein change: p.Lys1111Arg; replaces lysine 1111 with arginine.
Molecular consequence: missense variant.
Genome position (GRCh38, 1-based): chr15:52,360,059, T>C on the plus strand (A>G on the coding strand, the complement: MYO5A is on the minus strand). VCF-style: chr15-52360059-T-C. GRCh37 (hg19) VCF-style: chr15-52652256-T-C.
Other names: c.3332A>G, p.Lys1111Arg (NM_001411135.1, NM_000259.3, NM_001142495.2); c.3404A>G, p.Lys1135Arg (NM_001382348.1, NM_001382349.1); short protein forms K1111R, K1135R.
Identifiers: ClinVar variation 2794337 (VCV002794337.3), dbSNP rs1254926423, ClinGen allele CA392516259.

ClinVar aggregate classification (germline): Uncertain significance (1 of 4 stars; one submission).

Allele frequency attached by ClinVar (database versions not stated): gnomAD exomes below 0.00001; TOPMed below 0.00001.
gnomAD v4.1: 5 of 1,613,526 alleles (0.00031%); highest among the groups gnomAD compares: Non-Finnish European, 0.00042%; no homozygotes.

Submission:

Labcorp Genetics (formerly Invitae), Labcorp
Classification: Uncertain significance. Last evaluated: 2026-01-05. Review status: criteria provided, single submitter. Criteria: Invitae Variant Classification Sherloc (09022015). Collection method: clinical testing. Allele origin: germline.
Comment: This sequence change replaces lysine, which is basic and polar, with arginine, which is basic and polar, at codon 1111 of the MYO5A protein (p.Lys1111Arg). This variant is not present in population databases (gnomAD no frequency). This variant has not been reported in the literature in individuals affected with MYO5A-related conditions. ClinVar contains an entry for this variant (Variation ID: 2794337). An algorithm developed to predict the effect of missense changes on protein structure and function outputs the following: PolyPhen-2: "Benign". The arginine amino acid residue is found in multiple mammalian species, which suggests that this missense change does not adversely affect protein function. In summary, the available evidence is currently insufficient to determine the role of this variant in disease. Therefore, it has been classified as a Variant of Uncertain Significance.